The following is an entry in ClinVar:

ClinVar aggregate classification (germline): Uncertain significance. Review status: criteria provided, multiple submitters, no conflicts (2 of 4 stars). 2 submissions from 2 submitters: Uncertain significance (2). Last evaluated 2024-11-30.

Conditions:
Macrothrombocytopenia and granulocyte inclusions with or without nephritis or sensorineural hearing loss (MATINS). Also called: BLEEDING DISORDER, PLATELET-TYPE, 6; MAY-HEGGLIN ANOMALY; SEBASTIAN PLATELET SYNDROME; MACROTHROMBOCYTOPENIA WITH DISPERSED LEUKOCYTIC INCLUSIONS; MACROTHROMBOCYTOPENIA, NEPHRITIS, AND DEAFNESS; MACROTHROMBOCYTOPENIA, NEPHRITIS, DEAFNESS, AND LEUKOCYTE INCLUSIONS. Identifiers: Orphanet 182050, MedGen C5200934, MONDO:0015912, OMIM 155100.

Allele frequency attached by ClinVar (database versions not stated): gnomAD exomes below 0.00001; TOPMed below 0.00001.
gnomAD v4.1: 6 of 1,613,904 alleles (0.00037%); highest among the groups gnomAD compares: Non-Finnish European, 0.00051%; no homozygotes.

Submissions (2):

Labcorp Genetics (formerly Invitae), Labcorp
Classification: Uncertain significance. Last evaluated: 2024-11-30. Review status: criteria provided, single submitter. Criteria: Invitae Variant Classification Sherloc (09022015). Collection method: clinical testing. Allele origin: germline.
Comment: This sequence change replaces glutamic acid, which is acidic and polar, with lysine, which is basic and polar, at codon 1777 of the MYH9 protein (p.Glu1777Lys). This variant is not present in population databases (gnomAD no frequency). This variant has not been reported in the literature in individuals affected with MYH9-related conditions. ClinVar contains an entry for this variant (Variation ID: 1966121). Invitae Evidence Modeling of protein sequence and biophysical properties (such as structural, functional, and spatial information, amino acid conservation, physicochemical variation, residue mobility, and thermodynamic stability) indicates that this missense variant is not expected to disrupt MYH9 protein function with a negative predictive value of 95%. In summary, the available evidence is currently insufficient to determine the role of this variant in disease. Therefore, it has been classified as a Variant of Uncertain Significance.

Genomic Medicine Center of Excellence, King Faisal Specialist Hospital and Research Centre
Classification: Uncertain significance for Macrothrombocytopenia and granulocyte inclusions with or without nephritis or sensorineural hearing loss. Last evaluated: 2024-03-25. Review status: criteria provided, single submitter. Criteria: ACMG Guidelines, 2015. Collection method: clinical testing. Allele origin: germline.

NM_002473.6(MYH9):c.5329G>A (p.Glu1777Lys)

Gene: MYH9 (myosin heavy chain 9; minus strand). Cytogenetic location: 22q12.3.
Variant type: single nucleotide variant.
Coding change: c.5329G>A on transcript NM_002473.6 (MANE Select); coding-DNA position 5329, G replaced by A.
Protein change: p.Glu1777Lys; replaces glutamic acid 1777 with lysine.
Molecular consequence: missense variant.
Genome position (GRCh38, 1-based): chr22:36,285,275, C>T on the plus strand (G>A on the coding strand, the complement: MYH9 is on the minus strand). VCF-style: chr22-36285275-C-T. GRCh37 (hg19) VCF-style: chr22-36681321-C-T.
Other names: c.5329G>A (NM_002473.4); short protein forms E1777K.
Identifiers: ClinVar variation 1966121 (VCV001966121.6), dbSNP rs758825898, ClinGen allele CA411373715.
Genomic context (GRCh38, chr22:36,285,275, plus strand): 5'-TCTCCTGCAGCTTGACCTTAAGCTCCTTGTTCTGGCGTTCCAGCTGCTGCCGAGCATTCT[C>T]GTTCTTCTGGGCGTGGCTGCGCTCCAGGTTCAGGTCGGTGTTGATCTGGTCGATCTGCAG-3'
Protein context (NP_002464.1, residues 1767-1787): NLERSHAQKN[Glu1777Lys]NARQQLERQN